The following is an entry in ClinVar:

ClinVar aggregate classification (germline): Pathogenic. Review status: criteria provided, multiple submitters, no conflicts (2 of 4 stars). 2 submissions from 2 submitters: Pathogenic (2). Last evaluated 2025-12-03.

Conditions:
Joubert syndrome. Also called: CEREBELLOPARENCHYMAL DISORDER IV; JOUBERT-BOLTSHAUSER SYNDROME; Familial aplasia of the vermis. Identifiers: Orphanet 475, MedGen C5979921, MONDO:0018772.

Submissions (2):

Labcorp Genetics (formerly Invitae), Labcorp
Classification: Pathogenic for Joubert syndrome. Last evaluated: 2025-12-03. Review status: criteria provided, single submitter. Criteria: Invitae Variant Classification Sherloc (09022015). Collection method: clinical testing. Allele origin: germline.
Comment: This sequence change creates a premature translational stop signal (p.Pro15Argfs*119) in the INPP5E gene. It is expected to result in an absent or disrupted protein product. Loss-of-function variants in INPP5E are known to be pathogenic (PMID: 19668216, 23034536, 23386033, 28125082, 29555955). The frequency data for this variant in the population databases is considered unreliable, as metrics indicate poor data quality at this position in the gnomAD database. This variant has not been reported in the literature in individuals affected with INPP5E-related conditions. ClinVar contains an entry for this variant (Variation ID: 817662). For these reasons, this variant has been classified as Pathogenic.

GeneDx
Classification: Pathogenic. Last evaluated: 2018-03-22. Review status: criteria provided, single submitter. Criteria: GeneDx Variant Classification (06012015). Collection method: clinical testing. Allele origin: germline. Affected: yes.
Comment: The c.44delC variant has not been published as a pathogenic variant, nor has it been reported as a benign variant to our knowledge. This variant is not observed in large population cohorts (Lek et al., 2016). The c.44delC variant causes a frameshift starting with codon Proline 15, changes this amino acid to a Arginine residue, and creates a premature Stop codon at position 119 of the new reading frame, denoted p.Pro15ArgfsX119. This variant is predicted to cause loss of normal protein function either through protein truncation or nonsense-mediated mRNA decay. We interpret c.44delC as a pathogenic variant.

Literature cited by the submitters: PubMed 19668216 (cited by Labcorp Genetics (formerly Invitae), Labcorp); PubMed 23034536 (cited by Labcorp Genetics (formerly Invitae), Labcorp); PubMed 23386033 (cited by Labcorp Genetics (formerly Invitae), Labcorp); PubMed 28125082 (cited by Labcorp Genetics (formerly Invitae), Labcorp); PubMed 29555955 (cited by Labcorp Genetics (formerly Invitae), Labcorp).

NM_019892.6(INPP5E):c.44del (p.Pro15fs)

Gene: INPP5E (inositol polyphosphate-5-phosphatase E; minus strand). Cytogenetic location: 9q34.3.
Variant type: Deletion.
Coding change: c.44del on transcript NM_019892.6 (MANE Select); coding-DNA position 44, one base deleted (C; older notation c.44delC).
Protein change: p.Pro15fs; shifts the reading frame from proline 15.
Molecular consequence: frameshift variant.
Genome position (GRCh38, 1-based): chr9:136,439,376, G deleted on the plus strand (C on the coding strand, the reverse complement: INPP5E is on the minus strand); the first of 4 consecutive G bases (chr9:136,439,376-136,439,379); deleting any one gives the same sequence. VCF-style (leftmost placement, unchanged base first): chr9-136439375-CG-C. GRCh37 (hg19) VCF-style: chr9-139333827-CG-C.
Other names: c.44del, p.Pro15fs (NM_001318502.2); short protein forms P15fs.
Identifiers: ClinVar variation 817662 (VCV000817662.2), dbSNP rs1332623576, ClinGen allele CA591186235.